The following is an entry in ClinVar:

ClinVar aggregate classification (germline): Benign/Likely benign. Review status: criteria provided, multiple submitters, no conflicts (2 of 4 stars). 2 submissions from 2 submitters: Benign (1); Likely benign (1). Last evaluated 2025-03-12.

Conditions:
Hereditary cancer-predisposing syndrome. Also called: Tumor predisposition; Hereditary neoplastic syndrome; Neoplastic Syndromes, Hereditary; Hereditary Cancer Syndrome. Identifiers: Orphanet 140162, MedGen C0027672, MeSH D009386, MONDO:0015356.
Pheochromocytoma/paraganglioma syndrome 4. Also called: SDHB-Related Hereditary Paraganglioma-Pheochromocytoma Syndrome (Paragangliomas 4); CAROTID BODY TUMORS AND MULTIPLE EXTRAADRENAL PHEOCHROMOCYTOMAS; SDHB-Related Hereditary Paraganglioma-Pheochromocytoma Syndrome; PARAGANGLIOMA, FAMILIAL MALIGNANT; PARAGANGLIOMAS, HEREDITARY EXTRAADRENAL; PHEOCHROMOCYTOMA, FAMILIAL EXTRAADRENAL. Identifiers: Orphanet 29072, MedGen C1861848, MONDO:0007273, OMIM 115310.

Submissions (2):

Myriad Genetics, Inc.
Classification: Benign for Pheochromocytoma/paraganglioma syndrome 4. Last evaluated: 2025-03-12. Review status: criteria provided, single submitter. Criteria: Myriad Autosomal Dominant, Autosomal Recessive and X-Linked Classification Criteria (2023). Collection method: clinical testing. Allele origin: unknown.
Comment: This variant is considered benign. This variant is a silent/synonymous amino acid change and it is not expected to impact splicing.

Ambry Genetics
Classification: Likely benign for Hereditary cancer-predisposing syndrome. Last evaluated: 2019-09-06. Review status: criteria provided, single submitter. Criteria: Ambry Variant Classification Scheme 2023. Collection method: clinical testing. Allele origin: germline.

NM_003000.3(SDHB):c.327C>T (p.Asn109=)

Gene: SDHB (succinate dehydrogenase complex iron sulfur subunit B; minus strand). Cytogenetic location: 1p36.13.
Variant type: single nucleotide variant.
Coding change: c.327C>T on transcript NM_003000.3 (MANE Select); coding-DNA position 327, C replaced by T.
Protein change: p.Asn109=; no amino-acid change (asparagine 109 retained).
Molecular consequence: synonymous variant.
Genome position (GRCh38, 1-based): chr1:17,028,696, G>A on the plus strand (C>T on the coding strand, the complement: SDHB is on the minus strand). VCF-style: chr1-17028696-G-A. GRCh37 (hg19) VCF-style: chr1-17355191-G-A.
Identifiers: ClinVar variation 823392 (VCV000823392.5), dbSNP rs1570948639, ClinGen allele CA416087970.